The following is an entry in ClinVar:

ClinVar aggregate classification (germline): Likely benign. Review status: criteria provided, multiple submitters, no conflicts (2 of 4 stars). 2 submissions from 2 submitters: Likely benign (2). Last evaluated 2026-01-25.

Conditions:
Noonan syndrome 9 (NS9). Identifiers: Orphanet 648, MedGen C4225282, MONDO:0014691, OMIM 616559.

Submissions (2):

Labcorp Genetics (formerly Invitae), Labcorp
Classification: Likely benign for Noonan syndrome 9. Last evaluated: 2026-01-25. Review status: criteria provided, single submitter. Criteria: Invitae Variant Classification Sherloc (09022015). Collection method: clinical testing. Allele origin: germline.

Women's Health and Genetics/Laboratory Corporation of America, LabCorp
Classification: Likely benign. Last evaluated: 2025-04-29. Review status: criteria provided, single submitter. Criteria: LabCorp Variant Classification Summary - May 2015. Collection method: clinical testing. Allele origin: germline.
Comment: Variant summary: SOS2 c.346-10_346-8delCTT alters a conserved nucleotide located at a position not widely known to affect splicing. Consensus agreement among computation tools predict no significant impact on normal splicing. However, these predictions have yet to be confirmed by functional studies. The variant allele was found at a frequency of 1.4e-05 in 217132 control chromosomes. The available data on variant occurrences in the general population are insufficient to allow any conclusion about variant significance. To our knowledge, no occurrence of c.346-10_346-8delCTT in individuals affected with Noonan Syndrome And Related Conditions and no experimental evidence demonstrating its impact on protein function have been reported. ClinVar contains an entry for this variant (Variation ID: 2018005). Based on the evidence outlined above, the variant was classified as likely benign.

NM_006939.4(SOS2):c.346-10_346-8del

Gene: SOS2 (SOS Ras/Rho guanine nucleotide exchange factor 2; minus strand). Cytogenetic location: 14q21.3.
Variant type: Deletion.
Coding change: c.346-10_346-8del on transcript NM_006939.4 (MANE Select); 10 bases into the intron before coding-DNA position 346 through 8 bases into the intron before coding-DNA position 346, 3 bases deleted (CTT; older notation c.346-10_346-8delCTT).
Molecular consequence: intron variant.
Genome position (GRCh38, 1-based): chr14:50,199,863-50,199,865, AAG deleted on the plus strand (CTT on the coding strand, the reverse complement: SOS2 is on the minus strand); deleting any 3 consecutive bases within chr14:50,199,863-50,199,867 gives the same sequence; the c. name uses the placement nearest the transcript's 3' end. VCF-style (leftmost placement, unchanged base first): chr14-50199862-AAAG-A. GRCh37 (hg19) VCF-style: chr14-50666580-AAAG-A.
Other names: c.346-10_346-8delCTT (NM_006939.4).
Identifiers: ClinVar variation 2018005 (VCV002018005.8), dbSNP rs1192276075, ClinGen allele CA613839859.
Genomic context (GRCh38, chr14:50,199,862, plus strand): 5'-TACAGCCACAATATATAGGGATACATGGTAGTCCACTTTGTACCCTAATACTTCCTGTGA[AAAG>A]AATAAATAATTTAATTGCAAAATGTAGCACTGTCAAGTATTACACACTTAAAAAATTCCT-3'